The following is an entry in ClinVar:

NM_003590.5(CUL3):c.1061G>A (p.Arg354His)

Gene: CUL3 (cullin 3; minus strand). Cytogenetic location: 2q36.2.
Variant type: single nucleotide variant.
Coding change: c.1061G>A on transcript NM_003590.5 (MANE Select); coding-DNA position 1061, G replaced by A.
Protein change: p.Arg354His; replaces arginine 354 with histidine.
Molecular consequence: missense variant.
Genome position (GRCh38, 1-based): chr2:224,506,101, C>T on the plus strand (G>A on the coding strand, the complement: CUL3 is on the minus strand). VCF-style: chr2-224506101-C-T. GRCh37 (hg19) VCF-style: chr2-225370818-C-T.
Other names: c.863G>A, p.Arg288His (NM_001257197.2); c.1079G>A, p.Arg360His (NM_001257198.2); short protein forms R288H, R354H, R360H.
Identifiers: ClinVar variation 1929161 (VCV001929161.5), dbSNP rs983814335, ClinGen allele CA66534596.
Genomic context (GRCh38, chr2:224,506,101, plus strand): 5'-AAGTCACCCGCAATAGTTTGTTTAAAGAGACGGTCATTGTTGAATGATTCCAGGAGGAAG[C>T]GATCGAACCTACTCTTCAGATCCAATAAGCCCTTAGAAATAAAAACAAAATTTAGGACAC-3'
Protein context (NP_003581.1, residues 344-364): GLLDLKSRFD[Arg354His]FLLESFNNDR

ClinVar aggregate classification (germline): Uncertain significance (1 of 4 stars; one submission).

Allele frequency attached by ClinVar (database versions not stated): gnomAD exomes 0.00001.
gnomAD v4.1: 22 of 1,604,308 alleles (0.0014%); highest among the groups gnomAD compares: Non-Finnish European, 0.0017%; no homozygotes.

Submission:

Labcorp Genetics (formerly Invitae), Labcorp
Classification: Uncertain significance. Last evaluated: 2025-08-14. Review status: criteria provided, single submitter. Criteria: Invitae Variant Classification Sherloc (09022015). Collection method: clinical testing. Allele origin: germline.
Comment: This sequence change replaces arginine, which is basic and polar, with histidine, which is basic and polar, at codon 354 of the CUL3 protein (p.Arg354His). This variant is present in population databases (no rsID available, gnomAD 0.003%). This variant has not been reported in the literature in individuals affected with CUL3-related conditions. ClinVar contains an entry for this variant (Variation ID: 1929161). Invitae Evidence Modeling of protein sequence and biophysical properties (such as structural, functional, and spatial information, amino acid conservation, physicochemical variation, residue mobility, and thermodynamic stability) indicates that this missense variant is not expected to disrupt CUL3 protein function with a negative predictive value of 95%. In summary, the available evidence is currently insufficient to determine the role of this variant in disease. Therefore, it has been classified as a Variant of Uncertain Significance.